The following is an entry in ClinVar:

ClinVar aggregate classification (germline): Uncertain significance (1 of 4 stars; one submission).

Conditions:
Norman-Roberts syndrome (LIS2). Also called: Lissencephaly 2 (Norman-Roberts type). Identifiers: Orphanet 89844, MedGen C0796089, MONDO:0009760, OMIM 257320.
Familial temporal lobe epilepsy 7. Identifiers: Orphanet 101046, MedGen C4225327, MONDO:0014639, OMIM 616436.

Submission:

Labcorp Genetics (formerly Invitae), Labcorp
Classification: Uncertain significance for Familial temporal lobe epilepsy 7; Norman-Roberts syndrome. Last evaluated: 2017-04-16. Review status: criteria provided, single submitter. Criteria: Invitae Variant Classification Sherloc (09022015). Collection method: clinical testing. Allele origin: germline.
Comment: In summary, this variant is a novel missense change with uncertain impact on protein function. It has been classified as a Variant of Uncertain Significance. Algorithms developed to predict the effect of missense changes on protein structure and function do not agree on the potential impact of this missense change (SIFT: "Deleterious"; PolyPhen-2: "Probably Damaging"; Align-GVGD: "Class C0"). This variant is not present in population databases (ExAC no frequency) and has not been reported in the literature in individuals with a RELN-related disease. This sequence change replaces glutamine with histidine at codon 1302 of the RELN protein (p.Gln1302His). The glutamine residue is highly conserved and there is a small physicochemical difference between glutamine and histidine.

NM_005045.4(RELN):c.3906G>C (p.Gln1302His)

Gene: RELN (reelin; minus strand). Cytogenetic location: 7q22.1.
Variant type: single nucleotide variant.
Coding change: c.3906G>C on transcript NM_005045.4 (MANE Select); coding-DNA position 3906, G replaced by C.
Protein change: p.Gln1302His; replaces glutamine 1302 with histidine.
Molecular consequence: missense variant.
Genome position (GRCh38, 1-based): chr7:103,593,688, C>G on the plus strand (G>C on the coding strand, the complement: RELN is on the minus strand). VCF-style: chr7-103593688-C-G. GRCh37 (hg19) VCF-style: chr7-103234135-C-G.
Other names: c.3906G>C, p.Gln1302His (NM_173054.3); short protein forms Q1302H.
Identifiers: ClinVar variation 475963 (VCV000475963.8), dbSNP rs1554386837, ClinGen allele CA368756848.